The following is an entry in ClinVar:

NM_001985.3(ETFB):c.217-97C>G

Gene: ETFB (electron transfer flavoprotein subunit beta; minus strand). Cytogenetic location: 19q13.41.
Variant type: single nucleotide variant.
Coding change: c.217-97C>G on transcript NM_001985.3 (MANE Select); 97 bases into the intron before coding-DNA position 217, C replaced by G.
Molecular consequence: intron variant.
Genome position (GRCh38, 1-based): chr19:51,353,387, G>C on the plus strand (C>G on the coding strand, the complement: ETFB is on the minus strand). VCF-style: chr19-51353387-G-C. GRCh37 (hg19) VCF-style: chr19-51856641-G-C.
Other names: c.490-97C>G (NM_001014763.1).
Identifiers: ClinVar variation 676119 (VCV000676119.2), dbSNP rs3889313, ClinGen allele CA14678245.

ClinVar aggregate classification (germline): Benign. Review status: criteria provided, multiple submitters, no conflicts (2 of 4 stars). 2 submissions from 2 submitters: Benign (2). Last evaluated 2018-06-14.

Allele frequency attached by ClinVar (database versions not stated): 1000 Genomes Project 0.77616; gnomAD 0.82376.

Submissions (2):

GeneDx
Classification: Benign. Last evaluated: 2018-06-14. Review status: criteria provided, single submitter. Criteria: GeneDx Variant Classification (06012015). Collection method: clinical testing. Allele origin: germline. Affected: yes.
Comment: This variant is considered likely benign or benign based on one or more of the following criteria: it is a conservative change, it occurs at a poorly conserved position in the protein, it is predicted to be benign by multiple in silico algorithms, and/or has population frequency not consistent with disease.

Breakthrough Genomics
Classification: Benign. Review status: criteria provided, single submitter. Criteria: ACMG Guidelines, 2015. Collection method: not provided. Allele origin: germline. Inheritance: Autosomal recessive inheritance. Affected: yes.